The following is an entry in ClinVar:

NM_001375524.1(TRRAP):c.1619C>T (p.Thr540Ile)

Gene: TRRAP (transformation/transcription domain associated protein; plus strand). Cytogenetic location: 7q22.1.
Variant type: single nucleotide variant.
Coding change: c.1619C>T on transcript NM_001375524.1 (MANE Select); coding-DNA position 1619, C replaced by T.
Protein change: p.Thr540Ile; replaces threonine 540 with isoleucine.
Molecular consequence: missense variant.
Genome position (GRCh38, 1-based): chr7:98,910,324, C>T. VCF-style: chr7-98910324-C-T. GRCh37 (hg19) VCF-style: chr7-98507947-C-T.
Other names: c.1619C>T, p.Thr540Ile (NM_001244580.2, NM_003496.4); short protein forms T540I.
Identifiers: ClinVar variation 3701157 (VCV003701157.2).

ClinVar aggregate classification (germline): Uncertain significance (1 of 4 stars; one submission).

gnomAD v4.1: 42 of 1,610,174 alleles (0.0026%); highest among the groups gnomAD compares: Non-Finnish European, 0.0034%; no homozygotes.

Submission:

Labcorp Genetics (formerly Invitae), Labcorp
Classification: Uncertain significance. Last evaluated: 2025-08-10. Review status: criteria provided, single submitter. Criteria: Invitae Variant Classification Sherloc (09022015). Collection method: clinical testing. Allele origin: germline.
Comment: This sequence change replaces threonine, which is neutral and polar, with isoleucine, which is neutral and non-polar, at codon 540 of the TRRAP protein (p.Thr540Ile). This variant is present in population databases (rs782244208, gnomAD 0.004%). This variant has not been reported in the literature in individuals affected with TRRAP-related conditions. ClinVar contains an entry for this variant (Variation ID: 3701157). Invitae Evidence Modeling of protein sequence and biophysical properties (such as structural, functional, and spatial information, amino acid conservation, physicochemical variation, residue mobility, and thermodynamic stability) indicates that this missense variant is not expected to disrupt TRRAP protein function with a negative predictive value of 80%. In summary, the available evidence is currently insufficient to determine the role of this variant in disease. Therefore, it has been classified as a Variant of Uncertain Significance.